The following is an entry in ClinVar:

ClinVar aggregate classification (germline): Uncertain significance (1 of 4 stars; one submission).

Submission:

Dasa
Classification: Uncertain significance. Last evaluated: 2025-02-21. Review status: criteria provided, single submitter. Criteria: DASA Assertion Criteria. Collection method: clinical testing. Allele origin: germline.
Comment: NM_000334.4(SCN4A):c.4254C>G (p.Ile1418Met) is a missense variant that results in the substitution of isoleucine with methionine. The affected residue or protein region has prior evidence supporting clinical relevance. This variant is absent from population databases. Computational prediction algorithms are consistent with a deleterious effect. The currently available literature and clinical evidence are not sufficient to establish a definitive association between this variant and the reported condition. Therefore, this variant is classified as a variant of uncertain significance.

NM_000334.4(SCN4A):c.4254C>G (p.Ile1418Met)

Genes: GH-LCR (growth hormone locus control region; plus strand), SCN4A (sodium voltage-gated channel alpha subunit 4; minus strand). Cytogenetic location: 17q23.3.
Variant type: single nucleotide variant.
Coding change: c.4254C>G on transcript NM_000334.4 (MANE Select); coding-DNA position 4254, C replaced by G.
Protein change: p.Ile1418Met; replaces isoleucine 1418 with methionine.
Molecular consequence: missense variant.
Genome position (GRCh38, 1-based): chr17:63,942,860, G>C on the plus strand (C>G on the coding strand, the complement: SCN4A is on the minus strand). VCF-style: chr17-63942860-G-C. GRCh37 (hg19) VCF-style: chr17-62020220-G-C.
Other names: short protein forms I1418M.
Identifiers: ClinVar variation 4886029 (VCV004886029.2).